The following is an entry in ClinVar:

ClinVar aggregate classification (germline): Benign. Review status: criteria provided, multiple submitters, no conflicts (2 of 4 stars). 2 submissions from 2 submitters: Benign (2). Last evaluated 2019-08-23.

Allele frequency attached by ClinVar (database versions not stated): gnomAD exomes 0.01004; gnomAD 0.07401 and 0.07762; TOPMed 0.08335; 1000 Genomes Project 0.10383; 1000 Genomes Project 30x 0.11040.

Submissions (2):

GeneDx
Classification: Benign. Last evaluated: 2019-08-23. Review status: criteria provided, single submitter. Criteria: GeneDx Variant Classification Process June 2021. Collection method: clinical testing. Allele origin: germline. Affected: yes.
Comment: This variant is associated with the following publications: (PMID: 30262811)

Breakthrough Genomics
Classification: Benign. Review status: criteria provided, single submitter. Criteria: ACMG Guidelines, 2015. Collection method: not provided. Allele origin: germline. Inheritance: Autosomal dominant inheritance. Affected: yes.

NM_005994.4(TBX2):c.*218G>T

Gene: TBX2 (T-box transcription factor 2; plus strand). Cytogenetic location: 17q23.2.
Variant type: single nucleotide variant.
Coding change: c.*218G>T on transcript NM_005994.4 (MANE Select); 218 bases downstream of the stop codon, G replaced by T.
Molecular consequence: 3 prime UTR variant.
Genome position (GRCh38, 1-based): chr17:61,408,724, G>T. VCF-style: chr17-61408724-G-T. GRCh37 (hg19) VCF-style: chr17-59486085-G-T.
Identifiers: ClinVar variation 1272508 (VCV001272508.2), dbSNP rs59382073, ClinGen allele CA292250072.